The following is an entry in ClinVar:

ClinVar aggregate classification (germline): Uncertain significance. Review status: criteria provided, multiple submitters, no conflicts (2 of 4 stars). 3 submissions from 3 submitters: Uncertain significance (3). Last evaluated 2024-08-29.

Conditions:
Hereditary cancer-predisposing syndrome. Also called: Neoplastic Syndromes, Hereditary; Tumor predisposition; Hereditary neoplastic syndrome; Hereditary Cancer Syndrome. Identifiers: Orphanet 140162, MedGen C0027672, MeSH D009386, MONDO:0015356.
Cardiovascular phenotype. Identifiers: MedGen CN230736.
Neurofibromatosis, type 1 (NF1). Also called: NEUROFIBROMATOSIS, TYPE I, SOMATIC; Peripheral type neurofibromatosis; VON RECKLINGHAUSEN DISEASE; Neurofibromatosis, type I. Identifiers: Orphanet 636, MedGen C0027831, MONDO:0018975, OMIM 162200. Disease mechanism: loss of function.

Allele frequency attached by ClinVar (database versions not stated): TOPMed 0.00001.

Submissions (3):

Ambry Genetics
Classification: Uncertain significance for Cardiovascular phenotype; Hereditary cancer-predisposing syndrome. Last evaluated: 2024-08-29. Review status: criteria provided, single submitter. Criteria: Ambry Variant Classification Scheme 2023. Collection method: clinical testing. Allele origin: germline.
Comment: The p.K798R variant (also known as c.2393A>G), located in coding exon 20 of the NF1 gene, results from an A to G substitution at nucleotide position 2393. The lysine at codon 798 is replaced by arginine, an amino acid with highly similar properties. This amino acid position is highly conserved in available vertebrate species. In addition, this alteration is predicted to be tolerated by in silico analysis. Based on the available evidence, the clinical significance of this variant remains unclear.

GeneDx
Classification: Uncertain significance. Last evaluated: 2024-07-01. Review status: criteria provided, single submitter. Criteria: GeneDx Variant Classification Process June 2021. Collection method: clinical testing. Allele origin: germline. Affected: yes.
Comment: Not observed at significant frequency in large population cohorts (gnomAD); In silico analysis indicates that this missense variant does not alter protein structure/function; Has not been previously published as pathogenic or benign to our knowledge; This variant is associated with the following publications: (PMID: 27535533, 25486365)

Labcorp Genetics (formerly Invitae), Labcorp
Classification: Uncertain significance for Neurofibromatosis, type 1. Last evaluated: 2023-10-23. Review status: criteria provided, single submitter. Criteria: Invitae Variant Classification Sherloc (09022015). Collection method: clinical testing. Allele origin: germline.
Comment: This sequence change replaces lysine, which is basic and polar, with arginine, which is basic and polar, at codon 798 of the NF1 protein (p.Lys798Arg). This variant is not present in population databases (gnomAD no frequency). This variant has not been reported in the literature in individuals affected with NF1-related conditions. ClinVar contains an entry for this variant (Variation ID: 1790585). Advanced modeling of protein sequence and biophysical properties (such as structural, functional, and spatial information, amino acid conservation, physicochemical variation, residue mobility, and thermodynamic stability) has been performed at Invitae for this missense variant, however the output from this modeling did not meet the statistical confidence thresholds required to predict the impact of this variant on NF1 protein function. In summary, the available evidence is currently insufficient to determine the role of this variant in disease. Therefore, it has been classified as a Variant of Uncertain Significance.

NM_001042492.3(NF1):c.2393A>G (p.Lys798Arg)

Gene: NF1 (neurofibromin 1; plus strand). Cytogenetic location: 17q11.2.
Variant type: single nucleotide variant.
Coding change: c.2393A>G on transcript NM_001042492.3 (MANE Select); coding-DNA position 2393, A replaced by G.
Protein change: p.Lys798Arg; replaces lysine 798 with arginine.
Molecular consequence: missense variant.
Genome position (GRCh38, 1-based): chr17:31,227,590, A>G. VCF-style: chr17-31227590-A-G. GRCh37 (hg19) VCF-style: chr17-29554608-A-G.
Other names: c.2393A>G, p.Lys798Arg (NM_000267.4); short protein forms K798R.
Identifiers: ClinVar variation 1790585 (VCV001790585.8), dbSNP rs745498566, ClinGen allele CA289335534.